The following is an entry in ClinVar:

ClinVar aggregate classification (germline): Uncertain significance. Review status: criteria provided, multiple submitters, no conflicts (2 of 4 stars). 2 submissions from 2 submitters: Uncertain significance (2). Last evaluated 2024-05-01.

Allele frequency attached by ClinVar (database versions not stated): gnomAD exomes below 0.00001; ExAC 0.00001.

Submissions (2):

GeneDx
Classification: Uncertain significance. Last evaluated: 2024-05-01. Review status: criteria provided, single submitter. Criteria: GeneDx Variant Classification Process June 2021. Collection method: clinical testing. Allele origin: germline. Affected: yes.
Comment: Not observed at significant frequency in large population cohorts (gnomAD); In silico analysis indicates that this missense variant does not alter protein structure/function; Has not been previously published as pathogenic or benign to our knowledge

Labcorp Genetics (formerly Invitae), Labcorp
Classification: Uncertain significance. Last evaluated: 2023-11-17. Review status: criteria provided, single submitter. Criteria: Invitae Variant Classification Sherloc (09022015). Collection method: clinical testing. Allele origin: germline.
Comment: This sequence change replaces proline, which is neutral and non-polar, with threonine, which is neutral and polar, at codon 84 of the ZNF408 protein (p.Pro84Thr). The frequency data for this variant in the population databases is considered unreliable, as metrics indicate poor data quality at this position in the gnomAD database. This variant has not been reported in the literature in individuals affected with ZNF408-related conditions. ClinVar contains an entry for this variant (Variation ID: 1392024). An algorithm developed to predict the effect of missense changes on protein structure and function (PolyPhen-2) suggests that this variant is likely to be disruptive. In summary, the available evidence is currently insufficient to determine the role of this variant in disease. Therefore, it has been classified as a Variant of Uncertain Significance.

NM_024741.3(ZNF408):c.250C>A (p.Pro84Thr)

Gene: ZNF408 (zinc finger protein 408; plus strand). Cytogenetic location: 11p11.2.
Variant type: single nucleotide variant.
Coding change: c.250C>A on transcript NM_024741.3 (MANE Select); coding-DNA position 250, C replaced by A.
Protein change: p.Pro84Thr; replaces proline 84 with threonine.
Molecular consequence: missense variant.
Genome position (GRCh38, 1-based): chr11:46,701,596, C>A. VCF-style: chr11-46701596-C-A. GRCh37 (hg19) VCF-style: chr11-46723146-C-A.
Other names: c.250C>A (NM_024741.2); c.226C>A, p.Pro76Thr (NM_001184751.2); short protein forms P76T, P84T.
Identifiers: ClinVar variation 1392024 (VCV001392024.7), dbSNP rs748404308, ClinGen allele CA5966275.